The following is an entry in ClinVar:

ClinVar aggregate classification (germline): Uncertain significance (1 of 4 stars; one submission).

Submission:

GeneDx
Classification: Uncertain significance. Last evaluated: 2020-07-10. Review status: criteria provided, single submitter. Criteria: GeneDx Variant Classification Process June 2021. Collection method: clinical testing. Allele origin: germline. Affected: yes.
Comment: Not observed in large population cohorts (Lek et al., 2016); In silico analysis supports that this missense variant does not alter protein structure/function; Has not been previously published as pathogenic or benign to our knowledge

NM_016032.4(ZDHHC9):c.425A>T (p.Tyr142Phe)

Gene: ZDHHC9 (zinc finger DHHC-type palmitoyltransferase 9; minus strand). Cytogenetic location: Xq26.1.
Variant type: single nucleotide variant.
Coding change: c.425A>T on transcript NM_016032.4 (MANE Select); coding-DNA position 425, A replaced by T.
Protein change: p.Tyr142Phe; replaces tyrosine 142 with phenylalanine.
Molecular consequence: missense variant.
Genome position (GRCh38, 1-based): chrX:129,823,741, T>A on the plus strand (A>T on the coding strand, the complement: ZDHHC9 is on the minus strand). VCF-style: chrX-129823741-T-A. GRCh37 (hg19) VCF-style: chrX-128957717-T-A.
Other names: c.425A>T, p.Tyr142Phe (NM_001008222.3); short protein forms Y142F.
Identifiers: ClinVar variation 1313075 (VCV001313075.2), dbSNP rs2124117235, ClinGen allele CA414590440.